The following is an entry in ClinVar:

NM_024642.5(GALNT12):c.1551_1553del (p.Ile517del)

Gene: GALNT12 (polypeptide N-acetylgalactosaminyltransferase 12; plus strand). Cytogenetic location: 9q22.33.
Variant type: Deletion.
Coding change: c.1551_1553del on transcript NM_024642.5 (MANE Select); coding-DNA positions 1551 to 1553, 3 bases deleted (CAT; older notation c.1551_1553delCAT).
Protein change: p.Ile517del; deletes isoleucine 517.
Molecular consequence: inframe deletion.
Genome position (GRCh38, 1-based): chr9:98,846,069-98,846,071, CAT deleted; deleting any 3 consecutive bases within chr9:98,846,067-98,846,071 gives the same sequence; the c. name uses the placement nearest the transcript's 3' end. VCF-style (leftmost placement, unchanged base first): chr9-98846066-TATC-T. GRCh37 (hg19) VCF-style: chr9-101608348-TATC-T.
Other names: c.1551_1553del (NM_024642.4); short protein forms I517del.
Identifiers: ClinVar variation 1021273 (VCV001021273.9), dbSNP rs1416446800, ClinGen allele CA869120452.
Genomic context (GRCh38, chr9:98,846,066, plus strand): 5'-ACGCTATAACACCCACCAGCCTGAGGGCTGCATTGCTGTGGAAGCAGGAATGGATACCCT[TATC>T]ATGCATCTCTGCGAAGAAACTGCCCCAGAGAATCAGAAGTTCATCTTGCAGGAGGTAGGT-3'

ClinVar aggregate classification (germline): Uncertain significance. Review status: criteria provided, multiple submitters, no conflicts (2 of 4 stars). 2 submissions from 2 submitters: Uncertain significance (2). Last evaluated 2024-10-23.

Submissions (2):

Quest Diagnostics Nichols Institute San Juan Capistrano
Classification: Uncertain significance. Last evaluated: 2024-10-23. Review status: criteria provided, single submitter. Criteria: Quest Diagnostics criteria. Collection method: clinical testing. Allele origin: unknown.
Comment: The GALNT12 c.1551_1553del (p.Ile517del) variant has not been reported in individuals with GALNT12-related conditions in the published literature. The frequency of this variant in the general population, 0.0000066 (1/152202 chromosomes (Genome Aggregation Database)), is uninformative in the assessment of its pathogenicity. Based on the available information, we are unable to determine the clinical significance of this variant.

Labcorp Genetics (formerly Invitae), Labcorp
Classification: Uncertain significance. Last evaluated: 2022-09-08. Review status: criteria provided, single submitter. Criteria: Invitae Variant Classification Sherloc (09022015). Collection method: clinical testing. Allele origin: germline.
Comment: In summary, the available evidence is currently insufficient to determine the role of this variant in disease. Therefore, it has been classified as a Variant of Uncertain Significance. Experimental studies and prediction algorithms are not available or were not evaluated, and the functional significance of this variant is currently unknown. ClinVar contains an entry for this variant (Variation ID: 1021273). This variant has not been reported in the literature in individuals affected with GALNT12-related conditions. This variant is not present in population databases (gnomAD no frequency). This variant, c.1551_1553del, results in the deletion of 1 amino acid(s) of the GALNT12 protein (p.Ile517del), but otherwise preserves the integrity of the reading frame.